The following is an entry in ClinVar:

ClinVar aggregate classification (germline): Uncertain significance (1 of 4 stars; one submission).

Conditions:
FMN1-related disorder. Also called: FMN1-related condition.

Allele frequency attached by ClinVar (database versions not stated): gnomAD exomes below 0.00001; gnomAD 0.00001; TOPMed 0.00002.
gnomAD v4.1: 8 of 1,536,064 alleles (0.00052%); highest among the groups gnomAD compares: Admixed American, 0.0039%; no homozygotes.

Submission:

PreventionGenetics, part of Exact Sciences
Classification: Uncertain significance for FMN1-related condition. Last evaluated: 2023-04-07. Review status: criteria provided, single submitter. Criteria: ACMG Guidelines, 2015. Collection method: clinical testing. Allele origin: germline.
Comment: The FMN1 c.665C>T variant is predicted to result in the amino acid substitution p.Pro222Leu. To our knowledge, this variant has not been reported in the literature. This variant is reported in 0.0041% of alleles in individuals of Latino descent in gnomAD. At this time, the clinical significance of this variant is uncertain due to the absence of conclusive functional and genetic evidence.

NM_001277313.2(FMN1):c.665C>T (p.Pro222Leu)

Gene: FMN1 (formin 1; minus strand). Cytogenetic location: 15q13.3.
Variant type: single nucleotide variant.
Coding change: c.665C>T on transcript NM_001277313.2 (MANE Select); coding-DNA position 665, C replaced by T.
Protein change: p.Pro222Leu; replaces proline 222 with leucine.
Molecular consequence: missense variant.
Genome position (GRCh38, 1-based): chr15:33,154,250, G>A on the plus strand (C>T on the coding strand, the complement: FMN1 is on the minus strand). VCF-style: chr15-33154250-G-A. GRCh37 (hg19) VCF-style: chr15-33446451-G-A.
Other names: c.665C>T, p.Pro222Leu (NM_001277314.2); short protein forms P222L.
Identifiers: ClinVar variation 2633834 (VCV002633834.1), dbSNP rs956532182, ClinGen allele CA268812283.
Genomic context (GRCh38, chr15:33,154,250, plus strand): 5'-TTGGGAATATCTGGGGGGCAGCTCTCTCTCCTCTGCAGGGAGCAGGCAAGTGCCCCATTC[G>A]GGAGCAGATTTCCTTTCTCCTCTAGTACCCAAAGGTTAGGCCTTGTTCTAGAAAGAGGAA-3'
Protein context (NP_001264242.1, residues 212-232): WVLEEKGNLL[Pro222Leu]NGALACSLQR